The following is an entry in ClinVar:

ClinVar aggregate classification (germline): Likely benign. Review status: criteria provided, single submitter (1 of 4 stars). 2 submissions from 2 submitters: Likely benign (1). 1 of the submissions does not count toward it. Last evaluated 2024-08-14.

Conditions:
ZNF81-related disorder. Also called: ZNF81-related condition.

Allele frequency attached by ClinVar (database versions not stated): TOPMed 0.00006; ESP Exome Variant Server 0.00010; 1000 Genomes Project 30x 0.00042; 1000 Genomes Project 0.00053; gnomAD exomes 0.00071; gnomAD 0.00100; ExAC 0.00144.
gnomAD v4.1: 882 of 1,209,930 alleles (0.073%); highest among the groups gnomAD compares: Non-Finnish European, 0.011%; 5 homozygotes.

Submissions (2):

Blueprint Genetics
Classification: Likely benign. Last evaluated: 2024-08-14. Review status: criteria provided, single submitter. Criteria: ACMG Guidelines, 2015. Collection method: clinical testing. Allele origin: germline.

PreventionGenetics, part of Exact Sciences
Classification: Benign for ZNF81-related condition. Last evaluated: 2019-05-24. Review status: no assertion criteria provided. Collection method: clinical testing. Allele origin: germline. Not counted in ClinVar's aggregate classification.
Comment: This variant is classified as benign based on ACMG/AMP sequence variant interpretation guidelines (Richards et al. 2015 PMID: 25741868, with internal and published modifications).

NM_007137.5(ZNF81):c.1560T>C (p.His520=)

Gene: ZNF81 (zinc finger protein 81; plus strand). Cytogenetic location: Xp11.23.
Variant type: single nucleotide variant.
Coding change: c.1560T>C on transcript NM_007137.5 (MANE Select); coding-DNA position 1560, T replaced by C.
Protein change: p.His520=; no amino-acid change (histidine 520 retained).
Molecular consequence: synonymous variant. On other transcripts: intron variant (2).
Genome position (GRCh38, 1-based): chrX:47,916,206, T>C. VCF-style: chrX-47916206-T-C. GRCh37 (hg19) VCF-style: chrX-47775605-T-C.
Other names: c.1560T>C, p.His520= (NM_001378152.1, NM_001378153.1); c.278-7718T>C (NM_001378154.1); c.278-5102T>C (NM_001378155.1).
Identifiers: ClinVar variation 3039288 (VCV003039288.3), dbSNP rs191027002, ClinGen allele CA10399980.